The following is an entry in ClinVar:

NM_001318895.3(FHL2):c.559G>T (p.Val187Leu)

Genes: C2orf49 (chromosome 2 open reading frame 49; plus strand), FHL2 (four and a half LIM domains 2; minus strand). Cytogenetic location: 2q12.2.
Variant type: single nucleotide variant.
Coding change: c.559G>T on transcript NM_001318895.3 (MANE Select); coding-DNA position 559, G replaced by T.
Protein change: p.Val187Leu; replaces valine 187 with leucine.
Molecular consequence: missense variant.
Genome position (GRCh38, 1-based): chr2:105,363,414, C>A on the plus strand (G>T on the coding strand, the complement: FHL2 is on the minus strand). VCF-style: chr2-105363414-C-A. GRCh37 (hg19) VCF-style: chr2-105979871-C-A.
Other names: c.559G>T, p.Val187Leu (NM_001039492.3, NM_001318894.1, NM_001318896.2 and 4 more transcripts); c.217G>T, p.Val73Leu (NM_001318897.2, NM_001318898.2); c.235G>T, p.Val79Leu (NM_001318899.2); short protein forms V187L, V79L, V73L.
Identifiers: ClinVar variation 1375970 (VCV001375970.6), dbSNP rs570903247, ClinGen allele CA1814705.
Genomic context (GRCh38, chr2:105,363,414, plus strand): 5'-CAAAGTCATCGCGAGCTGTGAAGCGCTGCCCAGACAGCTGCTTCCTGCAGGCGGTGCACA[C>A]GAAGCACTCCTTGTGCCAGGGCTGCTCCCGGTAAGTGACCCCTCCCGTGGTGATGGGCTG-3'
Protein context (NP_001305824.1, residues 177-197): REQPWHKECF[Val187Leu]CTACRKQLSG

ClinVar aggregate classification (germline): Uncertain significance (1 of 4 stars; one submission).

Conditions:
Primary dilated cardiomyopathy (DCM). Also called: Dilated Cardiomyopathy. Identifiers: Orphanet 217604, MedGen C0007193, MeSH D002311, MONDO:0005021, HP:0001644. Inheritance: Various modes of inheritance.

gnomAD v4.1: 58 of 1,613,128 alleles (0.0036%); highest among the groups gnomAD compares: Non-Finnish European, 0.0038%; no homozygotes.

Submission:

Labcorp Genetics (formerly Invitae), Labcorp
Classification: Uncertain significance for Primary dilated cardiomyopathy. Last evaluated: 2025-11-05. Review status: criteria provided, single submitter. Criteria: Invitae Variant Classification Sherloc (09022015). Collection method: clinical testing. Allele origin: germline.
Comment: This sequence change replaces valine, which is neutral and non-polar, with leucine, which is neutral and non-polar, at codon 187 of the FHL2 protein (p.Val187Leu). This variant is present in population databases (rs570903247, gnomAD 0.02%). This missense change has been observed in individual(s) with hypertrophic cardiomyopathy (PMID: 25358972). ClinVar contains an entry for this variant (Variation ID: 1375970). Invitae Evidence Modeling of protein sequence and biophysical properties (such as structural, functional, and spatial information, amino acid conservation, physicochemical variation, residue mobility, and thermodynamic stability) indicates that this missense variant is not expected to disrupt FHL2 protein function with a negative predictive value of 80%. Experimental studies have shown that this missense change affects FHL2 function (PMID: 25358972). In summary, the available evidence is currently insufficient to determine the role of this variant in disease. Therefore, it has been classified as a Variant of Uncertain Significance.

Literature cited by the submitters: PubMed 25358972.